The following is an entry in ClinVar:

NM_004260.4(RECQL4):c.1090G>C (p.Val364Leu)

Gene: RECQL4 (RecQ like helicase 4; minus strand). Cytogenetic location: 8q24.3.
Variant type: single nucleotide variant.
Coding change: c.1090G>C on transcript NM_004260.4 (MANE Select); coding-DNA position 1090, G replaced by C.
Protein change: p.Val364Leu; replaces valine 364 with leucine.
Molecular consequence: missense variant. On other transcripts: 5 prime UTR variant (6), non-coding transcript variant (3).
Genome position (GRCh38, 1-based): chr8:144,516,029, C>G on the plus strand (G>C on the coding strand, the complement: RECQL4 is on the minus strand). VCF-style: chr8-144516029-C-G. GRCh37 (hg19) VCF-style: chr8-145741413-C-G.
Other names: c.994G>C, p.Val332Leu (NM_001413017.1, NM_001413020.1); c.1090G>C, p.Val364Leu (NM_001413018.1, NM_001413019.1, NM_001413033.1 and 2 more transcripts); c.19G>C, p.Val7Leu (NM_001413021.1, NM_001413022.1, NM_001413023.1 and 8 more transcripts); c.961G>C, p.Val321Leu (NM_001413025.1); c.-44G>C (NM_001413027.1, NM_001413030.1, NM_001413031.1 and 2 more transcripts); c.739G>C, p.Val247Leu (NM_001413029.1); c.-251G>C (NM_001413043.1); short protein forms V332L, V364L, V321L, V247L, V7L.
Identifiers: ClinVar variation 2867301 (VCV002867301.3), dbSNP rs144637135, ClinGen allele CA372688083.

ClinVar aggregate classification (germline): Uncertain significance (1 of 4 stars; one submission).

Conditions:
Baller-Gerold syndrome (BGS). Also called: CRANIOSYNOSTOSIS WITH RADIAL DEFECTS. Identifiers: Orphanet 1225, MedGen C0265308, MONDO:0009039, OMIM 218600.

Submission:

Labcorp Genetics (formerly Invitae), Labcorp
Classification: Uncertain significance for Baller-Gerold syndrome. Last evaluated: 2023-10-16. Review status: criteria provided, single submitter. Criteria: Invitae Variant Classification Sherloc (09022015). Collection method: clinical testing. Allele origin: germline.
Comment: This sequence change replaces valine, which is neutral and non-polar, with leucine, which is neutral and non-polar, at codon 364 of the RECQL4 protein (p.Val364Leu). This variant is not present in population databases (gnomAD no frequency). This variant has not been reported in the literature in individuals affected with RECQL4-related conditions. Advanced modeling of protein sequence and biophysical properties (such as structural, functional, and spatial information, amino acid conservation, physicochemical variation, residue mobility, and thermodynamic stability) performed at Invitae indicates that this missense variant is expected to disrupt RECQL4 protein function. In summary, the available evidence is currently insufficient to determine the role of this variant in disease. Therefore, it has been classified as a Variant of Uncertain Significance.